The following is an entry in ClinVar:

ClinVar aggregate classification (germline): Uncertain significance (1 of 4 stars; one submission).

Allele frequency attached by ClinVar (database versions not stated): TOPMed below 0.00001.

Submission:

Labcorp Genetics (formerly Invitae), Labcorp
Classification: Uncertain significance. Last evaluated: 2022-08-21. Review status: criteria provided, single submitter. Criteria: Invitae Variant Classification Sherloc (09022015). Collection method: clinical testing. Allele origin: germline.
Comment: This sequence change replaces alanine, which is neutral and non-polar, with aspartic acid, which is acidic and polar, at codon 1740 of the DCHS1 protein (p.Ala1740Asp). This variant is not present in population databases (gnomAD no frequency). In summary, the available evidence is currently insufficient to determine the role of this variant in disease. Therefore, it has been classified as a Variant of Uncertain Significance. Advanced modeling of protein sequence and biophysical properties (such as structural, functional, and spatial information, amino acid conservation, physicochemical variation, residue mobility, and thermodynamic stability) performed at Invitae indicates that this missense variant is not expected to disrupt DCHS1 protein function. This variant has not been reported in the literature in individuals affected with DCHS1-related conditions.

NM_003737.4(DCHS1):c.5219C>A (p.Ala1740Asp)

Gene: DCHS1 (dachsous cadherin-related 1; minus strand). Cytogenetic location: 11p15.4.
Variant type: single nucleotide variant.
Coding change: c.5219C>A on transcript NM_003737.4 (MANE Select); coding-DNA position 5219, C replaced by A.
Protein change: p.Ala1740Asp; replaces alanine 1740 with aspartic acid.
Molecular consequence: missense variant.
Genome position (GRCh38, 1-based): chr11:6,628,773, G>T on the plus strand (C>A on the coding strand, the complement: DCHS1 is on the minus strand). VCF-style: chr11-6628773-G-T. GRCh37 (hg19) VCF-style: chr11-6650004-G-T.
Other names: short protein forms A1740D.
Identifiers: ClinVar variation 1717489 (VCV001717489.5), dbSNP rs1855853729, ClinGen allele CA379396635.
Genomic context (GRCh38, chr11:6,628,773, plus strand): 5'-ACCTCCAGAGAGAGATGGGCACTCCCAAAGGTTGGTGCATGGTCATTCTCATCCTCCACA[G>T]CCACTCGAACAGTGACATGCGTTAACTGAGGAGGTGAGCCCCTGTCCTGGGCATACACTG-3'
Protein context (NP_003728.1, residues 1730-1750): PQLTHVTVRV[Ala1740Asp]VEDENDHAPT